The following is an entry in ClinVar:

ClinVar aggregate classification (germline): Uncertain significance. Review status: criteria provided, multiple submitters, no conflicts (2 of 4 stars). 4 submissions from 4 submitters: Uncertain significance (4). Last evaluated 2026-06-29.

Conditions:
Ehlers-Danlos syndrome, spondylodysplastic type, 2 (EDSSPD2). Also called: Ehlers-Danlos syndrome, progeroid type, 2. Identifiers: Orphanet 536467, Orphanet 75496, MedGen C3809210, MONDO:0014139, OMIM 615349.
Spondyloepimetaphyseal dysplasia with joint laxity (SEMDJL). Identifiers: MedGen C0432243, MONDO:0019675.
Inborn genetic diseases. Identifiers: MedGen C0950123, MeSH D030342.

Allele frequency attached by ClinVar (database versions not stated): ExAC 0.00016; gnomAD 0.00002; TOPMed 0.00002.

Submissions (4):

Women's Health and Genetics/Laboratory Corporation of America, LabCorp
Classification: Uncertain significance. Last evaluated: 2026-06-29. Review status: criteria provided, single submitter. Criteria: LabCorp Variant Classification Summary - May 2015. Collection method: clinical testing. Allele origin: germline.

Mayo Clinic Laboratories, Mayo Clinic
Classification: Uncertain significance. Last evaluated: 2025-04-11. Review status: criteria provided, single submitter. Criteria: ACMG Guidelines, 2015. Collection method: clinical testing. Allele origin: germline. Observed: 4 variant alleles.
Comment: BP4_moderate

Ambry Genetics
Classification: Uncertain significance for Inborn genetic diseases. Last evaluated: 2022-06-21. Review status: criteria provided, single submitter. Criteria: Ambry Variant Classification Scheme 2023. Collection method: clinical testing. Allele origin: germline.

Labcorp Genetics (formerly Invitae), Labcorp
Classification: Uncertain significance for Ehlers-Danlos syndrome, spondylodysplastic type, 2; Spondyloepimetaphyseal dysplasia with joint laxity. Last evaluated: 2022-04-04. Review status: criteria provided, single submitter. Criteria: Invitae Variant Classification Sherloc (09022015). Collection method: clinical testing. Allele origin: germline.
Comment: This sequence change replaces arginine, which is basic and polar, with serine, which is neutral and polar, at codon 236 of the B3GALT6 protein (p.Arg236Ser). This variant is present in population databases (rs752525239, gnomAD 0.01%). This variant has not been reported in the literature in individuals affected with B3GALT6-related conditions. Algorithms developed to predict the effect of missense changes on protein structure and function (SIFT, PolyPhen-2, Align-GVGD) all suggest that this variant is likely to be tolerated. In summary, the available evidence is currently insufficient to determine the role of this variant in disease. Therefore, it has been classified as a Variant of Uncertain Significance.

NM_080605.4(B3GALT6):c.706C>A (p.Arg236Ser)

Gene: B3GALT6 (beta-1,3-galactosyltransferase 6; plus strand). Cytogenetic location: 1p36.33.
Variant type: single nucleotide variant.
Coding change: c.706C>A on transcript NM_080605.4 (MANE Select); coding-DNA position 706, C replaced by A.
Protein change: p.Arg236Ser; replaces arginine 236 with serine.
Molecular consequence: missense variant.
Genome position (GRCh38, 1-based): chr1:1,232,984, C>A. VCF-style: chr1-1232984-C-A. GRCh37 (hg19) VCF-style: chr1-1168364-C-A.
Other names: p.Arg236Ser; c.706C>A (NM_080605.3); short protein forms R236S.
Identifiers: ClinVar variation 2191014 (VCV002191014.6), dbSNP rs752525239, ClinGen allele CA513430.